The following is an entry in ClinVar:

NM_001206927.2(DNAH8):c.13219C>G (p.Gln4407Glu)

Gene: DNAH8 (dynein axonemal heavy chain 8; plus strand). Cytogenetic location: 6p21.2.
Variant type: single nucleotide variant.
Coding change: c.13219C>G on transcript NM_001206927.2 (MANE Select); coding-DNA position 13219, C replaced by G.
Protein change: p.Gln4407Glu; replaces glutamine 4407 with glutamic acid.
Molecular consequence: missense variant.
Genome position (GRCh38, 1-based): chr6:39,008,818, C>G. VCF-style: chr6-39008818-C-G. GRCh37 (hg19) VCF-style: chr6-38976594-C-G.
Other names: c.12568C>G, p.Gln4190Glu (NM_001371.4); short protein forms Q4190E, Q4407E.
Identifiers: ClinVar variation 2012478 (VCV002012478.4), dbSNP rs1765981830, ClinGen allele CA364019944.
Genomic context (GRCh38, chr6:39,008,818, plus strand): 5'-ACTTATCTCTTACATGTTTCCCTGTAACATTCTGAACAGCTCACTCTTTTTACTAGGTAT[C>G]AGAGTAACACTGCTTCTGCTGTTCTTGAAACAATTACCAACATTCAACCCAAAGAGAGTG-3'
Protein context (NP_001193856.1, residues 4397-4417): GLHPNADITY[Gln4407Glu]SNTASAVLET

ClinVar aggregate classification (germline): Uncertain significance (1 of 4 stars; one submission).

Conditions:
Primary ciliary dyskinesia. Also called: Ciliary dyskinesia. Identifiers: Orphanet 244, MedGen C0008780, MONDO:0016575, HP:0012265.

Allele frequency attached by ClinVar (database versions not stated): TOPMed below 0.00001; gnomAD exomes 0.00002.
gnomAD v4.1: 27 of 1,592,810 alleles (0.0017%); highest among the groups gnomAD compares: Non-Finnish European, 0.0021%; no homozygotes.

Submission:

Labcorp Genetics (formerly Invitae), Labcorp
Classification: Uncertain significance for Primary ciliary dyskinesia. Last evaluated: 2022-04-15. Review status: criteria provided, single submitter. Criteria: Invitae Variant Classification Sherloc (09022015). Collection method: clinical testing. Allele origin: germline.
Comment: This sequence change replaces glutamine, which is neutral and polar, with glutamic acid, which is acidic and polar, at codon 4407 of the DNAH8 protein (p.Gln4407Glu). In summary, the available evidence is currently insufficient to determine the role of this variant in disease. Therefore, it has been classified as a Variant of Uncertain Significance. Algorithms developed to predict the effect of missense changes on protein structure and function are either unavailable or do not agree on the potential impact of this missense change (SIFT: "Deleterious"; PolyPhen-2: "Not Available"; Align-GVGD: "Class C0"). This variant has not been reported in the literature in individuals affected with DNAH8-related conditions. This variant is not present in population databases (gnomAD no frequency).